The following is an entry in ClinVar:

NM_017780.4(CHD7):c.6894G>C (p.Gln2298His)

Gene: CHD7 (chromodomain helicase DNA binding protein 7; plus strand). Cytogenetic location: 8q12.2.
Variant type: single nucleotide variant.
Coding change: c.6894G>C on transcript NM_017780.4 (MANE Select); coding-DNA position 6894, G replaced by C.
Protein change: p.Gln2298His; replaces glutamine 2298 with histidine.
Molecular consequence: missense variant. On other transcripts: intron variant (1).
Genome position (GRCh38, 1-based): chr8:60,854,481, G>C. VCF-style: chr8-60854481-G-C. GRCh37 (hg19) VCF-style: chr8-61767040-G-C.
Other names: c.1717-7748G>C (NM_001316690.1); short protein forms Q2298H.
Identifiers: ClinVar variation 2919125 (VCV002919125.3), dbSNP rs774683470, ClinGen allele CA177319669.

ClinVar aggregate classification (germline): Uncertain significance (1 of 4 stars; one submission).

Conditions:
CHARGE syndrome (CHARGE). Also called: Hittner Hirsch Kreh syndrome; CHARGE ASSOCIATION--COLOBOMA, HEART ANOMALY, CHOANAL ATRESIA, RETARDATION, GENITAL AND EAR ANOMALIES; Coloboma, heart anomaly, choanal atresia, retardation, genital and ear anomalies; CHARGE association; Hall-Hittner syndrome. Identifiers: Orphanet 138, MedGen C0265354, MONDO:0008965.

Allele frequency attached by ClinVar (database versions not stated): gnomAD 0.00001.
gnomAD v4.1: 15 of 1,607,520 alleles (0.00093%); highest among the groups gnomAD compares: South Asian, 0.0022%; no homozygotes.

Submission:

Labcorp Genetics (formerly Invitae), Labcorp
Classification: Uncertain significance for CHARGE syndrome. Last evaluated: 2025-10-31. Review status: criteria provided, single submitter. Criteria: Invitae Variant Classification Sherloc (09022015). Collection method: clinical testing. Allele origin: germline.
Comment: This sequence change replaces glutamine, which is neutral and polar, with histidine, which is basic and polar, at codon 2298 of the CHD7 protein (p.Gln2298His). This variant is present in population databases (rs774683470, gnomAD 0.003%). This variant has not been reported in the literature in individuals affected with CHD7-related conditions. ClinVar contains an entry for this variant (Variation ID: 2919125). Invitae Evidence Modeling of protein sequence and biophysical properties (such as structural, functional, and spatial information, amino acid conservation, physicochemical variation, residue mobility, and thermodynamic stability) indicates that this missense variant is not expected to disrupt CHD7 protein function with a negative predictive value of 95%. In summary, the available evidence is currently insufficient to determine the role of this variant in disease. Therefore, it has been classified as a Variant of Uncertain Significance.